The following is an entry in ClinVar:

NM_001613.4(ACTA2):c.350A>G (p.Asn117Ser)

Gene: ACTA2 (actin alpha 2, smooth muscle; minus strand). Cytogenetic location: 10q23.31.
Variant type: single nucleotide variant.
Coding change: c.350A>G on transcript NM_001613.4 (MANE Select); coding-DNA position 350, A replaced by G.
Protein change: p.Asn117Ser; replaces asparagine 117 with serine.
Molecular consequence: missense variant.
Genome position (GRCh38, 1-based): chr10:88,943,816, T>C on the plus strand (A>G on the coding strand, the complement: ACTA2 is on the minus strand). VCF-style: chr10-88943816-T-C. GRCh37 (hg19) VCF-style: chr10-90703573-T-C.
Other names: c.350A>G, p.Asn117Ser (NM_001141945.3, NM_001320855.2, NM_001406462.1 and 3 more transcripts); c.221A>G, p.Asn74Ser (NM_001406467.1, NM_001406468.1, NM_001406469.1); short protein forms N117S, N74S.
Identifiers: ClinVar variation 1329099 (VCV001329099.11), dbSNP rs2133261250, ClinGen allele CA377512819.

ClinVar aggregate classification (germline): Conflicting classifications of pathogenicity. Review status: criteria provided, conflicting classifications (1 of 4 stars). 2 submissions from 2 submitters: Pathogenic (1); Uncertain significance (1). Last evaluated 2022-07-19.

Conditions:
Aortic aneurysm, familial thoracic 6 (AAT6). Also called: FAMILIAL THORACIC AORTIC ANEURYSM WITH LIVEDO RETICULARIS AND IRIS FLOCCULI. Identifiers: MedGen C2673186, MONDO:0012730, OMIM 611788.
Familial thoracic aortic aneurysm and aortic dissection (TAAD). Also called: Thoracic aortic aneurysms and dissections. Identifiers: Orphanet 91387, MedGen C4707243, MONDO:0019625.

Submissions (2):

Labcorp Genetics (formerly Invitae), Labcorp
Classification: Pathogenic for Aortic aneurysm, familial thoracic 6. Last evaluated: 2022-07-19. Review status: criteria provided, single submitter. Criteria: Invitae Variant Classification Sherloc (09022015). Collection method: clinical testing. Allele origin: germline.
Comment: ClinVar contains an entry for this variant (Variation ID: 1329099). This sequence change replaces asparagine, which is neutral and polar, with serine, which is neutral and polar, at codon 117 of the ACTA2 protein (p.Asn117Ser). This variant is not present in population databases (gnomAD no frequency). This missense change has been observed in individuals with thoracic aortic aneurysm and/or dissection or smooth muscle dysfunction (PMID: 27146836, 29202781, 32093627; Invitae). Advanced modeling of protein sequence and biophysical properties (such as structural, functional, and spatial information, amino acid conservation, physicochemical variation, residue mobility, and thermodynamic stability) performed at Invitae indicates that this missense variant is expected to disrupt ACTA2 protein function. For these reasons, this variant has been classified as Pathogenic.

CHEO Genetics Diagnostic Laboratory, Children's Hospital of Eastern Ontario
Classification: Uncertain significance for Familial thoracic aortic aneurysm and aortic dissection. Last evaluated: 2020-04-09. Review status: criteria provided, single submitter. Criteria: ACMG Guidelines, 2015. Collection method: clinical testing. Allele origin: germline.

Literature cited by the submitters: PubMed 27146836 (cited by Labcorp Genetics (formerly Invitae), Labcorp); PubMed 29202781 (cited by Labcorp Genetics (formerly Invitae), Labcorp); PubMed 32093627 (cited by Labcorp Genetics (formerly Invitae), Labcorp).